The following is an entry in ClinVar:

NM_001367805.3(KIF23):c.690A>G (p.Ile230Met)

Gene: KIF23 (kinesin family member 23; plus strand). Cytogenetic location: 15q23.
Variant type: single nucleotide variant.
Coding change: c.690A>G on transcript NM_001367805.3 (MANE Select); coding-DNA position 690, A replaced by G.
Protein change: p.Ile230Met; replaces isoleucine 230 with methionine.
Molecular consequence: missense variant. On other transcripts: non-coding transcript variant (2).
Genome position (GRCh38, 1-based): chr15:69,423,285, A>G. VCF-style: chr15-69423285-A-G. GRCh37 (hg19) VCF-style: chr15-69715624-A-G.
Other names: p.Ile230Met; c.360A>G, p.Ile120Met (NM_001281301.2); c.690A>G, p.Ile230Met (NM_001367804.2, NM_004856.7, NM_138555.4); short protein forms I120M, I230M.
Identifiers: ClinVar variation 726646 (VCV000726646.36), dbSNP rs199679829, ClinGen allele CA7634975.

ClinVar aggregate classification (germline): Conflicting classifications of pathogenicity. Review status: criteria provided, conflicting classifications (1 of 4 stars). 5 submissions from 5 submitters: Uncertain significance (1); Benign (2); Likely benign (2). Last evaluated 2026-09-25.

Conditions:
KIF23-related disorder. Also called: KIF23-related condition.

Allele frequency attached by ClinVar (database versions not stated): gnomAD 0.00021 and 0.00047; TOPMed 0.00022; ESP Exome Variant Server 0.00023; gnomAD exomes 0.00060 and 0.00098; ExAC 0.00111; 1000 Genomes Project 30x 0.00172; 1000 Genomes Project 0.00180.
gnomAD v4.1: 921 of 1,582,852 alleles (0.058%); highest among the groups gnomAD compares: South Asian, 0.64%; 10 homozygotes.

Submissions (6):

PreventionGenetics, part of Exact Sciences
Classification: Likely benign for KIF23-related condition. Last evaluated: 2026-09-25. Review status: criteria provided, single submitter. Criteria: ACMG Guidelines, 2015. Collection method: clinical testing. Allele origin: germline.
Comment: This variant is classified as likely benign based on ACMG/AMP sequence variant interpretation guidelines (Richards et al. 2015 PMID: 25741868, with internal and published modifications).

Labcorp Genetics (formerly Invitae), Labcorp
Classification: Benign. Last evaluated: 2026-01-19. Review status: criteria provided, single submitter. Criteria: Invitae Variant Classification Sherloc (09022015). Collection method: clinical testing. Allele origin: germline.

CeGaT Center for Human Genetics Tuebingen
Classification: Likely benign. Last evaluated: 2025-06-01. Review status: criteria provided, single submitter. Criteria: CeGaT Center For Human Genetics Tuebingen Variant Classification Criteria Version 2. Collection method: clinical testing. Allele origin: germline. Affected: yes. Observed: 2 variant alleles.
Comment: KIF23: BS1

Mayo Clinic Laboratories, Mayo Clinic
Classification: Uncertain significance. Last evaluated: 2022-05-10. Review status: criteria provided, single submitter. Criteria: ACMG Guidelines, 2015. Collection method: clinical testing. Allele origin: germline. Observed: 1 variant allele.
Comment: BS2

Breakthrough Genomics
Classification: Benign. Review status: criteria provided, single submitter. Criteria: ACMG Guidelines, 2015. Collection method: not provided. Allele origin: germline. Inheritance: Autosomal dominant inheritance. Affected: yes.

Dr. Peter K. Rogan Lab, Western University
No classification provided (evidence only). Condition: Malignant tumor of urinary bladder. Review status: no classification provided. Collection method: in vitro. Allele origin: not applicable. Functional consequence: retained intron. Not counted in ClinVar's aggregate classification.